The following is an entry in ClinVar:

ClinVar aggregate classification (germline): Likely pathogenic. Review status: criteria provided, single submitter (1 of 4 stars). 2 submissions from 2 submitters: Likely pathogenic (1). 1 of the submissions does not count toward it. Last evaluated 2023-03-09.

Conditions:
Intellectual developmental disorder with microcephaly and with or without ocular malformations or hypogonadotropic hypogonadism. Also called: Intellectual disability, autosomal dominant 27; Coffin-Siris Syndrome 9. Identifiers: Orphanet 1465, MedGen C4014528, MONDO:0014376, OMIM 615866.

Submissions (2):

SIB Swiss Institute of Bioinformatics
Classification: Likely pathogenic for Intellectual developmental disorder with microcephaly and with or without ocular malformations or hypogonadotropic hypogonadism. Last evaluated: 2023-03-09. Review status: criteria provided, single submitter. Criteria: ACMG Guidelines, 2015. Collection method: curation. Allele origin: unknown.
Comment: This variant is interpreted as likely pathogenic for Intellectual developmental disorder with microcephaly and with or without ocular malformations or hypogonadotropic hypogonadism, autosomal dominant. The following ACMG Tag(s) were applied: Absent from controls (or at extremely low frequency if recessive) in Exome Sequencing Project, 1000 Genomes Project, or Exome Aggregation Consortium (PM2); De novo paternity and maternity not confirmed (PM6); Located in a mutational hot spot and/or critical and well-established functional domain (e.g., active site of an enzyme) without benign variation (PM1); Multiple lines of computational evidence support a deleterious effect on the gene or gene product (PP3).

OMIM
Classification: Pathogenic for INTELLECTUAL DEVELOPMENTAL DISORDER WITH MICROCEPHALY AND WITHOUT OCULAR MALFORMATIONS OR HYPOGONADOTROPIC HYPOGONADISM. Last evaluated: 2023-02-06. Review status: no assertion criteria provided. Collection method: literature only. Allele origin: germline. Not counted in ClinVar's aggregate classification.

Literature cited by the submitters: PubMed 35938035 (cited by SIB Swiss Institute of Bioinformatics and OMIM).

NM_003108.4(SOX11):c.337T>C (p.Tyr113His)

Gene: SOX11 (SRY-box transcription factor 11; plus strand). Cytogenetic location: 2p25.2.
Variant type: single nucleotide variant.
Coding change: c.337T>C on transcript NM_003108.4 (MANE Select); coding-DNA position 337, T replaced by C.
Protein change: p.Tyr113His; replaces tyrosine 113 with histidine.
Molecular consequence: missense variant.
Genome position (GRCh38, 1-based): chr2:5,693,058, T>C. VCF-style: chr2-5693058-T-C. GRCh37 (hg19) VCF-style: chr2-5833190-T-C.
Other names: short protein forms Y113H.
Identifiers: ClinVar variation 2443024 (VCV002443024.2), dbSNP rs2465087527, ClinGen allele CA345866490.
Genomic context (GRCh38, chr2:5,693,058, plus strand): 5'-AGCGAGAAGATCCCGTTCATCCGGGAGGCGGAGCGGCTGCGGCTCAAGCACATGGCCGAC[T>C]ACCCCGACTACAAGTACCGGCCCCGGAAAAAGCCCAAAATGGACCCCTCGGCCAAGCCCA-3'
Protein context (NP_003099.1, residues 103-123): ERLRLKHMAD[Tyr113His]PDYKYRPRKK